The following is an entry in ClinVar:

NM_152263.4(TPM3):c.480T>G (p.Asp160Glu)

Gene: TPM3 (tropomyosin 3; minus strand). Cytogenetic location: 1q21.3.
Variant type: single nucleotide variant.
Coding change: c.480T>G on transcript NM_152263.4 (MANE Select); coding-DNA position 480, T replaced by G.
Protein change: p.Asp160Glu; replaces aspartic acid 160 with glutamic acid.
Molecular consequence: missense variant. On other transcripts: non-coding transcript variant (1).
Genome position (GRCh38, 1-based): chr1:154,173,099, A>C on the plus strand (T>G on the coding strand, the complement: TPM3 is on the minus strand). VCF-style: chr1-154173099-A-C. GRCh37 (hg19) VCF-style: chr1-154145575-A-C.
Other names: c.369T>G, p.Asp123Glu (NM_001043351.2, NM_001043352.2, NM_001043353.2 and 5 more transcripts); c.171T>G, p.Asp57Glu (NM_001278188.2); c.99T>G, p.Asp33Glu (NM_001278191.2); c.480T>G, p.Asp160Glu (NM_001364679.2, NM_001364680.2, NM_001364681.2 and 1 more transcripts); short protein forms D123E, D160E, D33E, D57E.
Identifiers: ClinVar variation 3756874 (VCV003756874.2).

ClinVar aggregate classification (germline): Uncertain significance (1 of 4 stars; one submission).

Conditions:
Congenital myopathy 4B, autosomal recessive. Also called: Nemaline myopathy 1, autosomal dominant or recessive. Identifiers: Orphanet 171433, Orphanet 171439, Orphanet 171881, MedGen C5829889, MONDO:0012239, OMIM 609284.
Congenital myopathy with fiber type disproportion. Also called: Congenital fiber-type disproportion myopathy; Congenital fiber-type disproportion. Identifiers: Orphanet 2020, MedGen C0546264, MONDO:0009711. Inheritance: all.

Submission:

Labcorp Genetics (formerly Invitae), Labcorp
Classification: Uncertain significance for Congenital myopathy with fiber type disproportion; Congenital myopathy 4B, autosomal recessive. Last evaluated: 2024-06-24. Review status: criteria provided, single submitter. Criteria: Invitae Variant Classification Sherloc (09022015). Collection method: clinical testing. Allele origin: germline.
Comment: This sequence change replaces aspartic acid, which is acidic and polar, with glutamic acid, which is acidic and polar, at codon 160 of the TPM3 protein (p.Asp160Glu). This variant is not present in population databases (gnomAD no frequency). This variant has not been reported in the literature in individuals affected with TPM3-related conditions. Advanced modeling of protein sequence and biophysical properties (such as structural, functional, and spatial information, amino acid conservation, physicochemical variation, residue mobility, and thermodynamic stability) performed at Invitae indicates that this missense variant is not expected to disrupt TPM3 protein function with a negative predictive value of 80%. In summary, the available evidence is currently insufficient to determine the role of this variant in disease. Therefore, it has been classified as a Variant of Uncertain Significance.